The following is an entry in ClinVar:

ClinVar aggregate classification (germline): Conflicting classifications of pathogenicity. Review status: criteria provided, conflicting classifications (1 of 4 stars). 5 submissions from 5 submitters: Uncertain significance (4); Likely benign (1). Last evaluated 2026-06-15.

Conditions:
Chédiak-Higashi syndrome (CHS). Also called: Chediak-Higashi Syndrome. Identifiers: Orphanet 167, MedGen C0007965, MONDO:0008963, OMIM 214500.
Inborn genetic diseases. Identifiers: MedGen C0950123, MeSH D030342.

Allele frequency attached by ClinVar (database versions not stated): TOPMed 0.00001.
gnomAD v4.1: 34 of 1,614,054 alleles (0.0021%); highest among the groups gnomAD compares: South Asian, 0.016%; no homozygotes.

Submissions (5):

Ambry Genetics
Classification: Uncertain significance for Inborn genetic diseases. Last evaluated: 2026-06-15. Review status: criteria provided, single submitter. Criteria: Ambry Variant Classification Scheme 2023. Collection method: clinical testing. Allele origin: germline.

Centre for Medical Genetics,  Mumbai
Classification: Likely benign for Chédiak-Higashi syndrome. Last evaluated: 2026-05-06. Review status: criteria provided, single submitter. Criteria: ACMG Guidelines, 2015. Collection method: provider interpretation. Allele origin: germline. Inheritance: Autosomal recessive inheritance. Affected: no. Observed: 1 variant allele, 1 homozygote.
Comment: The variant satisfies PM2 criteria - extremely low frequency in gnomAD population databases. The variant satisfies BP4 criteria - for a missense or a splice region variant, computational prediction tools unanimously support a benign effect on the gene. However, the variant satisfies BS2 criteria - present in heterozygous state in an individual that clinically does not have Chediak-Higashi syndrome.

Mayo Clinic Laboratories, Mayo Clinic
Classification: Uncertain significance. Last evaluated: 2025-07-16. Review status: criteria provided, single submitter. Criteria: ACMG Guidelines, 2015. Collection method: clinical testing. Allele origin: germline. Observed: 1 variant allele.
Comment: BP4_moderate

Labcorp Genetics (formerly Invitae), Labcorp
Classification: Uncertain significance for Chédiak-Higashi syndrome. Last evaluated: 2022-08-09. Review status: criteria provided, single submitter. Criteria: Invitae Variant Classification Sherloc (09022015). Collection method: clinical testing. Allele origin: germline.
Comment: This sequence change replaces glycine, which is neutral and non-polar, with aspartic acid, which is acidic and polar, at codon 2159 of the LYST protein (p.Gly2159Asp). This variant is present in population databases (rs564946092, gnomAD 0.02%). This variant has not been reported in the literature in individuals affected with LYST-related conditions. ClinVar contains an entry for this variant (Variation ID: 1015986). Algorithms developed to predict the effect of missense changes on protein structure and function output the following: SIFT: "Tolerated"; PolyPhen-2: "Benign"; Align-GVGD: "Class C0". The aspartic acid amino acid residue is found in multiple mammalian species, which suggests that this missense change does not adversely affect protein function. In summary, the available evidence is currently insufficient to determine the role of this variant in disease. Therefore, it has been classified as a Variant of Uncertain Significance.

Fulgent Genetics
Classification: Uncertain significance for Chédiak-Higashi syndrome. Last evaluated: 2021-07-23. Review status: criteria provided, single submitter. Criteria: ACMG Guidelines, 2015. Collection method: clinical testing. Allele origin: unknown.

Literature cited by the submitters: PubMed 9215680 (cited by Centre for Medical Genetics,  Mumbai).

NM_000081.4(LYST):c.6476G>A (p.Gly2159Asp)

Gene: LYST (lysosomal trafficking regulator; minus strand). Cytogenetic location: 1q42.3.
Variant type: single nucleotide variant.
Coding change: c.6476G>A on transcript NM_000081.4 (MANE Select); coding-DNA position 6476, G replaced by A.
Protein change: p.Gly2159Asp; replaces glycine 2159 with aspartic acid.
Molecular consequence: missense variant.
Genome position (GRCh38, 1-based): chr1:235,759,377, C>T on the plus strand (G>A on the coding strand, the complement: LYST is on the minus strand). VCF-style: chr1-235759377-C-T. GRCh37 (hg19) VCF-style: chr1-235922677-C-T.
Other names: p.Gly2159Asp; c.6476G>A (NM_000081.2); c.6476G>A, p.Gly2159Asp (NM_001301365.1); short protein forms G2159D.
Identifiers: ClinVar variation 1015986 (VCV001015986.8), dbSNP rs564946092, ClinGen allele CA1466366.